The following is an entry in ClinVar:

ClinVar aggregate classification (germline): Conflicting classifications of pathogenicity. Review status: criteria provided, conflicting classifications (1 of 4 stars). 2 submissions from 2 submitters: Likely pathogenic (1); Uncertain significance (1). Last evaluated 2022-11-22.

Conditions:
Saldino-Mainzer syndrome (SRTD9). Also called: short-rib thoracic dysplasia 9 with or without polydactyly; Renal dysplasia, retinal pigmentary dystrophy, cerebellar ataxia and skeletal dysplasia; SHORT-RIB THORACIC DYSPLASIA 9 WITHOUT POLYDACTYLY; CONORENAL SYNDROME. Identifiers: Orphanet 140969, MedGen C1849437, MONDO:0009964, OMIM 266920.
IFT140-related disorders.

Allele frequency attached by ClinVar (database versions not stated): gnomAD exomes 0.00001; TOPMed 0.00001; gnomAD 0.00002.
gnomAD v4.1: 23 of 1,612,552 alleles (0.0014%); highest among the groups gnomAD compares: East Asian, 0.0022%; no homozygotes.

Submissions (2):

Blueprint Genetics
Classification: Likely pathogenic for IFT140-related disorders. Last evaluated: 2022-11-22. Review status: criteria provided, single submitter. Criteria: ACMG Guidelines, 2015. Collection method: clinical testing. Allele origin: germline. Affected: yes. Observed: 2 variant alleles.

Labcorp Genetics (formerly Invitae), Labcorp
Classification: Uncertain significance for Saldino-Mainzer syndrome. Last evaluated: 2022-10-13. Review status: criteria provided, single submitter. Criteria: Invitae Variant Classification Sherloc (09022015). Collection method: clinical testing. Allele origin: germline.
Comment: This sequence change replaces glutamic acid, which is acidic and polar, with lysine, which is basic and polar, at codon 933 of the IFT140 protein (p.Glu933Lys). This variant is present in population databases (no rsID available, gnomAD 0.03%). This missense change has been observed in individual(s) with retinitis pigmentosa (Invitae). ClinVar contains an entry for this variant (Variation ID: 533864). Advanced modeling of protein sequence and biophysical properties (such as structural, functional, and spatial information, amino acid conservation, physicochemical variation, residue mobility, and thermodynamic stability) has been performed at Invitae for this missense variant, however the output from this modeling did not meet the statistical confidence thresholds required to predict the impact of this variant on IFT140 protein function. In summary, the available evidence is currently insufficient to determine the role of this variant in disease. Therefore, it has been classified as a Variant of Uncertain Significance.

NM_014714.4(IFT140):c.2797G>A (p.Glu933Lys)

Genes: IFT140 (intraflagellar transport 140; minus strand), LOC126862260 (CDK7 strongly-dependent group 2 enhancer GRCh37_chr16:1574508-1575707; plus strand). Cytogenetic location: 16p13.3.
Variant type: single nucleotide variant.
Coding change: c.2797G>A on transcript NM_014714.4 (MANE Select); coding-DNA position 2797, G replaced by A.
Protein change: p.Glu933Lys; replaces glutamic acid 933 with lysine.
Molecular consequence: missense variant.
Genome position (GRCh38, 1-based): chr16:1,525,298, C>T on the plus strand (G>A on the coding strand, the complement: IFT140 is on the minus strand). VCF-style: chr16-1525298-C-T. GRCh37 (hg19) VCF-style: chr16-1575299-C-T.
Other names: short protein forms E933K.
Identifiers: ClinVar variation 533864 (VCV000533864.8), dbSNP rs1259402740, ClinGen allele CA394226857.